The following is an entry in ClinVar:

ClinVar aggregate classification (germline): Uncertain significance (1 of 4 stars; one submission).

Conditions:
Severe combined immunodeficiency due to DCLRE1C deficiency (RS-SCID). Also called: SCID, AUTOSOMAL RECESSIVE, T CELL-NEGATIVE, B CELL-NEGATIVE, NK CELL-POSITIVE, WITH SENSITIVITY TO IONIZING RADIATION. Identifiers: Orphanet 275, MedGen C1865371, MONDO:0011225, OMIM 602450.

Allele frequency attached by ClinVar (database versions not stated): gnomAD exomes below 0.00001.
gnomAD v4.1: 1 of 1,613,866 alleles (0.000062%); highest among the groups gnomAD compares: Admixed American, 0.0017%; no homozygotes.

Submission:

Labcorp Genetics (formerly Invitae), Labcorp
Classification: Uncertain significance for Athabaskan severe combined immunodeficiency. Last evaluated: 2022-05-27. Review status: criteria provided, single submitter. Criteria: Invitae Variant Classification Sherloc (09022015). Collection method: clinical testing. Allele origin: germline.
Comment: This sequence change replaces proline, which is neutral and non-polar, with leucine, which is neutral and non-polar, at codon 398 of the DCLRE1C protein (p.Pro398Leu). This variant is not present in population databases (gnomAD no frequency). This variant has not been reported in the literature in individuals affected with DCLRE1C-related conditions. Algorithms developed to predict the effect of missense changes on protein structure and function output the following: SIFT: "Tolerated"; PolyPhen-2: "Benign"; Align-GVGD: "Class C0". The leucine amino acid residue is found in multiple mammalian species, which suggests that this missense change does not adversely affect protein function. In summary, the available evidence is currently insufficient to determine the role of this variant in disease. Therefore, it has been classified as a Variant of Uncertain Significance.

NM_001033855.3(DCLRE1C):c.1193C>T (p.Pro398Leu)

Gene: DCLRE1C (DNA cross-link repair 1C; minus strand). Cytogenetic location: 10p13.
Variant type: single nucleotide variant.
Coding change: c.1193C>T on transcript NM_001033855.3 (MANE Select); coding-DNA position 1193, C replaced by T.
Protein change: p.Pro398Leu; replaces proline 398 with leucine.
Molecular consequence: missense variant. On other transcripts: non-coding transcript variant (4).
Genome position (GRCh38, 1-based): chr10:14,909,294, G>A on the plus strand (C>T on the coding strand, the complement: DCLRE1C is on the minus strand). VCF-style: chr10-14909294-G-A. GRCh37 (hg19) VCF-style: chr10-14951293-G-A.
Other names: c.833C>T, p.Pro278Leu (NM_001033857.3, NM_001033858.3, NM_001289077.2 and 2 more transcripts); c.848C>T, p.Pro283Leu (NM_001289076.2, NM_001289078.2, NM_001350966.2 and 1 more transcripts); c.1193C>T, p.Pro398Leu (NM_001350965.2); short protein forms P278L, P398L, P283L.
Identifiers: ClinVar variation 1352412 (VCV001352412.5), dbSNP rs2131780031, ClinGen allele CA376076781.